The following is an entry in ClinVar:

ClinVar aggregate classification (germline): Conflicting classifications of pathogenicity. Review status: criteria provided, conflicting classifications (1 of 4 stars). 2 submissions from 2 submitters: Likely pathogenic (1); Uncertain significance (1). Last evaluated 2024-01-01.

Conditions:
Fanconi anemia complementation group A (FANCA). Also called: Fanconi anemia, group A; FANCA-Related Fanconi Anemia. Identifiers: Orphanet 84, MedGen C3469521, MONDO:0009215, OMIM 227650.

Submissions (2):

Daryl Scott Lab, Baylor College of Medicine
Classification: Likely pathogenic for Fanconi anemia complementation group A. Last evaluated: 2024-01-01. Review status: criteria provided, single submitter. Criteria: ACMG Guidelines, 2015. Collection method: clinical testing. Allele origin: unknown. Affected: yes. Observed: 1 compound heterozygote.
Comment: PM2 ,PM3, PM5, PP3

Baylor Genetics
Classification: Uncertain significance for Fanconi anemia complementation group A. Last evaluated: 2019-08-09. Review status: criteria provided, single submitter. Criteria: ACMG Guidelines, 2015. Collection method: clinical testing. Allele origin: unknown. Affected: yes.
Comment: This variant was determined to be of uncertain significance according to ACMG Guidelines, 2015 [PMID:25741868].

NM_000135.4(FANCA):c.2632_2633delinsCG (p.Glu878Arg)

Genes: FANCA (FA complementation group A; minus strand), LOC130059837 (ATAC-STARR-seq lymphoblastoid active region 11420; plus strand). Cytogenetic location: 16q24.3.
Variant type: Indel.
Coding change: c.2632_2633delinsCG on transcript NM_000135.4 (MANE Select); coding-DNA positions 2632 to 2633, GA replaced by CG.
Protein change: p.Glu878Arg; replaces glutamic acid 878 with arginine.
Molecular consequence: missense variant.
Genome position (GRCh38, 1-based): chr16:89,765,035-89,765,036, TC replaced by CG on the plus strand (GA replaced by CG on the coding strand, the reverse complement: FANCA is on the minus strand). VCF-style: chr16-89765035-TC-CG. GRCh37 (hg19) VCF-style: chr16-89831443-TC-CG.
Other names: c.2632_2633delinsCG, p.Glu878Arg (NM_001286167.3); short protein forms E878R.
Identifiers: ClinVar variation 1029500 (VCV001029500.2), dbSNP rs2039079300, ClinGen allele CA2241907023.